The following is an entry in ClinVar:

ClinVar aggregate classification (germline): Likely benign. Review status: criteria provided, multiple submitters, no conflicts (2 of 4 stars). 5 submissions from 5 submitters: Likely benign (5). Last evaluated 2025-11-01.

Conditions:
Autosomal recessive limb-girdle muscular dystrophy type 2Y (MRRSDC). Also called: Muscular dystrophy, limb-girdle, type 2y; Muscular dystrophy, autosomal recessive, with rigid spine and distal joint contractures. Identifiers: Orphanet 424261, MedGen C4511482, MONDO:0014900, OMIM 617072.

Allele frequency attached by ClinVar (database versions not stated): gnomAD exomes 0.00001 and 0.00004; ExAC 0.00007; ESP Exome Variant Server 0.00008; gnomAD 0.00029 and 0.00035; TOPMed 0.00029; 1000 Genomes Project 30x 0.00031.

Submissions (5):

Labcorp Genetics (formerly Invitae), Labcorp
Classification: Likely benign for Autosomal recessive limb-girdle muscular dystrophy type 2Y. Last evaluated: 2025-11-01. Review status: criteria provided, single submitter. Criteria: Invitae Variant Classification Sherloc (09022015). Collection method: clinical testing. Allele origin: germline.

Women's Health and Genetics/Laboratory Corporation of America, LabCorp
Classification: Likely benign. Last evaluated: 2025-06-18. Review status: criteria provided, single submitter. Criteria: LabCorp Variant Classification Summary - May 2015. Collection method: clinical testing. Allele origin: germline.
Comment: Variant summary: TOR1AIP1 c.968-10delG alters a nucleotide located at a position not widely known to affect splicing. Consensus agreement among computation tools predict no significant impact on normal splicing. However, these predictions have yet to be confirmed by functional studies. The variant allele was found at a frequency of 4.3e-05 in 232484 control chromosomes. This frequency is not significantly higher than estimated for a pathogenic variant in TOR1AIP1 causing Autosomal recessive limb-girdle muscular dystrophy type 2Y (4.3e-05 vs 0.001), allowing no conclusion about variant significance. To our knowledge, no occurrence of c.968-10delG in individuals affected with Autosomal recessive limb-girdle muscular dystrophy type 2Y and no experimental evidence demonstrating its impact on protein function have been reported. ClinVar contains an entry for this variant (Variation ID: 542853). Based on the evidence outlined above, the variant was classified as likely benign.

Blueprint Genetics
Classification: Likely benign. Last evaluated: 2024-11-21. Review status: criteria provided, single submitter. Criteria: ACMG Guidelines, 2015. Collection method: clinical testing. Allele origin: germline.

Genome-Nilou Lab
Classification: Likely benign for Autosomal recessive limb-girdle muscular dystrophy type 2Y. Last evaluated: 2023-04-11. Review status: criteria provided, single submitter. Criteria: ACMG Guidelines, 2015. Collection method: clinical testing. Allele origin: germline. Affected: no.

GeneDx
Classification: Likely benign. Last evaluated: 2022-03-23. Review status: criteria provided, single submitter. Criteria: GeneDx Variant Classification Process June 2021. Collection method: clinical testing. Allele origin: germline. Affected: yes.
Comment: See Variant Classification Assertion Criteria.

NM_015602.4(TOR1AIP1):c.965-10del

Gene: TOR1AIP1 (torsin 1A interacting protein 1; plus strand). Cytogenetic location: 1q25.2.
Variant type: Deletion.
Coding change: c.965-10del on transcript NM_015602.4 (MANE Select); 10 bases into the intron before coding-DNA position 965, one base deleted (G; older notation c.965-10delG).
Molecular consequence: intron variant.
Genome position (GRCh38, 1-based): chr1:179,917,442, G deleted. VCF-style (leftmost placement, unchanged base first): chr1-179917441-TG-T. GRCh37 (hg19) VCF-style: chr1-179886576-TG-T.
Other names: c.968-10delG (NM_001267578.1, NM_001267578.2); c.968-10del (NM_001267578.2).
Identifiers: ClinVar variation 542853 (VCV000542853.17), dbSNP rs769057969, ClinGen allele CA1269070.